The following is an entry in ClinVar:

NM_001080476.3(GRXCR1):c.655G>A (p.Glu219Lys)

Gene: GRXCR1 (glutaredoxin and cysteine rich domain containing 1; plus strand). Cytogenetic location: 4p13.
Variant type: single nucleotide variant.
Coding change: c.655G>A on transcript NM_001080476.3 (MANE Select); coding-DNA position 655, G replaced by A.
Protein change: p.Glu219Lys; replaces glutamic acid 219 with lysine.
Molecular consequence: missense variant.
Genome position (GRCh38, 1-based): chr4:43,020,381, G>A. VCF-style: chr4-43020381-G-A. GRCh37 (hg19) VCF-style: chr4-43022398-G-A.
Other names: short protein forms E219K.
Identifiers: ClinVar variation 560891 (VCV000560891.2), dbSNP rs1560690591, ClinGen allele CA356790777.
Genomic context (GRCh38, chr4:43,020,381, plus strand): 5'-TGGATTTTTCTCCCTACTCTCTCTCGTTAATAGGGTGCTGAGAAAATTTTGTCAATGAAT[G>A]AATCAGGAGAACTGCAAGACATCCTAACCAAAATTGAGGTAAATGTGCTTTCAGCAACTT-3'
Protein context (NP_001073945.1, residues 209-229): GGAEKILSMN[Glu219Lys]SGELQDILTK

ClinVar aggregate classification (germline): Pathogenic/Likely pathogenic. Review status: no assertion criteria provided (0 of 4 stars). 2 submissions from 2 submitters: Pathogenic (1); Likely pathogenic (1). Last evaluated 2018-09-10.

Conditions:
Hearing loss, autosomal recessive. Also called: Rare autosomal recessive non-syndromic sensorineural deafness type DFNB; Autosomal recessive nonsyndromic deafness; Nonsyndromic Hearing Loss, Recessive; Deafness, autosomal recessive. Identifiers: Orphanet 90635, Orphanet 90636, MedGen C1846647, MONDO:0019588, OMIM 607197.
Deafness. Identifiers: MedGen C0011053.

Submissions (2):

Center for Statistical Genetics, Columbia University
Classification: Pathogenic for Deafness. Last evaluated: 2018-09-10. Review status: no assertion criteria provided. Collection method: research. Allele origin: inherited. Affected: yes.
Comment: Autosomal recessive

University of Washington Center for Mendelian Genomics, University of Washington
Classification: Likely pathogenic for non-syndromic autosomal recessive hearing loss. Review status: no assertion criteria provided. Collection method: research. Allele origin: inherited. Affected: yes.

Literature cited by the submitters: PubMed 30303587 (cited by University of Washington Center for Mendelian Genomics, University of Washington).